The following is an entry in ClinVar:

NM_004991.4(MECOM):c.665C>T (p.Ala222Val)

Gene: MECOM (MDS1 and EVI1 complex locus; minus strand). Cytogenetic location: 3q26.2.
Variant type: single nucleotide variant.
Coding change: c.665C>T on transcript NM_004991.4 (MANE Select); coding-DNA position 665, C replaced by T.
Protein change: p.Ala222Val; replaces alanine 222 with valine.
Molecular consequence: missense variant.
Genome position (GRCh38, 1-based): chr3:169,128,009, G>A on the plus strand (C>T on the coding strand, the complement: MECOM is on the minus strand). VCF-style: chr3-169128009-G-A. GRCh37 (hg19) VCF-style: chr3-168845797-G-A.
Other names: c.293C>T, p.Ala98Val (NM_001105077.4); c.101C>T, p.Ala34Val (NM_001105078.4, NM_001163999.2, NM_001164000.2 and 9 more transcripts); c.665C>T, p.Ala222Val (NM_001366466.2, NM_001366473.2); c.665C>T (NM_004991.3); short protein forms A222V, A34V, A98V.
Identifiers: ClinVar variation 3392616 (VCV003392616.2).

ClinVar aggregate classification (germline): Uncertain significance. Review status: criteria provided, multiple submitters, no conflicts (2 of 4 stars). 2 submissions from 2 submitters: Uncertain significance (2). Last evaluated 2026-03-01.

Conditions:
Inborn genetic diseases. Identifiers: MedGen C0950123, MeSH D030342.

Submissions (2):

Ambry Genetics
Classification: Uncertain significance for Inborn genetic diseases. Last evaluated: 2026-03-01. Review status: criteria provided, single submitter. Criteria: Ambry Variant Classification Scheme 2023. Collection method: clinical testing. Allele origin: germline.
Comment: The p.A222V variant (also known as c.665C>T), located in coding exon 5 of the MECOM gene, results from a C to T substitution at nucleotide position 665. The alanine at codon 222 is replaced by valine, an amino acid with similar properties. This amino acid position is conserved. In addition, this alteration is predicted to be tolerated by in silico analysis. Based on the available evidence, the clinical significance of this variant remains unclear.

GeneDx
Classification: Uncertain significance. Last evaluated: 2024-06-25. Review status: criteria provided, single submitter. Criteria: GeneDx Variant Classification Process June 2021. Collection method: clinical testing. Allele origin: germline. Affected: yes.
Comment: Not observed at significant frequency in large population cohorts (gnomAD); In silico analysis supports that this missense variant does not alter protein structure/function; Has not been previously published as pathogenic or benign to our knowledge